The following is an entry in ClinVar:

ClinVar aggregate classification (germline): Benign (1 of 4 stars; one submission).

Conditions:
Hirschsprung disease, susceptibility to, 3. Identifiers: Orphanet 388, MedGen C3150974, MONDO:0013383, OMIM 613711.

Allele frequency attached by ClinVar (database versions not stated): TOPMed 0.00527; 1000 Genomes Project 0.00599; 1000 Genomes Project 30x 0.00625.

Submission:

Illumina Laboratory Services, Illumina
Classification: Benign for Hirschsprung disease, susceptibility to, 3. Last evaluated: 2018-01-13. Review status: criteria provided, single submitter. Criteria: ICSL Variant Classification Criteria 13 December 2019. Collection method: clinical testing. Allele origin: germline.
Comment: This variant was observed in the ICSL laboratory as part of a predisposition screen in an ostensibly healthy population. It had not been previously curated by ICSL or reported in the Human Gene Mutation Database (HGMD: prior to June 1st, 2018), and was therefore a candidate for classification through an automated scoring system. Utilizing variant allele frequency, disease prevalence and penetrance estimates, and inheritance mode, an automated score was calculated to assess if this variant is too frequent to cause the disease. Based on the score and internal cut-off values, a variant classified as benign is not then subjected to further curation. The score for this variant resulted in a classification of benign for this disease.

NM_000514.4(GDNF):c.*2643C>T

Gene: GDNF (glial cell derived neurotrophic factor; minus strand). Cytogenetic location: 5p13.2.
Variant type: single nucleotide variant.
Coding change: c.*2643C>T on transcript NM_000514.4 (MANE Select); 2643 bases downstream of the stop codon, C replaced by T.
Molecular consequence: 3 prime UTR variant.
Genome position (GRCh38, 1-based): chr5:37,813,008, G>A on the plus strand (C>T on the coding strand, the complement: GDNF is on the minus strand). VCF-style: chr5-37813008-G-A. GRCh37 (hg19) VCF-style: chr5-37813110-G-A.
Other names: c.*2643C>T (NM_001190468.1, NM_001190469.1, NM_001278098.1 and 1 more transcripts).
Identifiers: ClinVar variation 353476 (VCV000353476.5), dbSNP rs146664109, ClinGen allele CA10620369.